The following is an entry in ClinVar:

ClinVar aggregate classification (germline): Likely benign (1 of 4 stars; one submission).

gnomAD v4.1: 1 of 1,614,030 alleles (0.000062%); highest among the groups gnomAD compares: Non-Finnish European, 0.000085%; no homozygotes.

Submission:

CeGaT Center for Human Genetics Tuebingen
Classification: Likely benign. Last evaluated: 2022-07-01. Review status: criteria provided, single submitter. Criteria: CeGaT Center For Human Genetics Tuebingen Variant Classification Criteria Version 2. Collection method: clinical testing. Allele origin: germline. Affected: yes. Observed: 1 variant allele.
Comment: PAX3: PM2:Supporting, BP4, BP7

NM_181458.4(PAX3):c.723T>G (p.Thr241=)

Gene: PAX3 (paired box 3; minus strand). Cytogenetic location: 2q36.1.
Variant type: single nucleotide variant.
Coding change: c.723T>G on transcript NM_181458.4 (MANE Select); coding-DNA position 723, T replaced by G.
Protein change: p.Thr241=; no amino-acid change (threonine 241 retained).
Molecular consequence: synonymous variant.
Genome position (GRCh38, 1-based): chr2:222,232,147, A>C on the plus strand (T>G on the coding strand, the complement: PAX3 is on the minus strand). VCF-style: chr2-222232147-A-C. GRCh37 (hg19) VCF-style: chr2-223096866-A-C.
Other names: c.720T>G, p.Thr240= (NM_001127366.3); c.723T>G, p.Thr241= (NM_181457.4, NM_181459.4, NM_181460.4 and 1 more transcripts).
Identifiers: ClinVar variation 2651941 (VCV002651941.24), dbSNP rs746728799, ClinGen allele CA431575619.